The following is an entry in ClinVar:

NM_013444.4(UBQLN2):c.645T>G (p.Ile215Met)

Genes: UBQLN2 (ubiquilin 2; plus strand), LOC130068339 (ATAC-STARR-seq lymphoblastoid active region 29687; plus strand). Cytogenetic location: Xp11.21.
Variant type: single nucleotide variant.
Coding change: c.645T>G on transcript NM_013444.4 (MANE Select); coding-DNA position 645, T replaced by G.
Protein change: p.Ile215Met; replaces isoleucine 215 with methionine.
Molecular consequence: missense variant.
Genome position (GRCh38, 1-based): chrX:56,564,518, T>G. VCF-style: chrX-56564518-T-G. GRCh37 (hg19) VCF-style: chrX-56590951-T-G.
Other names: short protein forms I215M.
Identifiers: ClinVar variation 2828655 (VCV002828655.3), dbSNP rs1235898765, ClinGen allele CA413378811.

ClinVar aggregate classification (germline): Uncertain significance (1 of 4 stars; one submission).

Conditions:
Amyotrophic lateral sclerosis type 15. Also called: AMYOTROPHIC LATERAL SCLEROSIS 15 WITH FRONTOTEMPORAL DEMENTIA. Identifiers: Orphanet 803, MedGen C3275459, MONDO:0010459, OMIM 300857.

Allele frequency attached by ClinVar (database versions not stated): TOPMed below 0.00001; gnomAD 0.00001.
gnomAD v4.1: 1 of 1,209,901 alleles (0.000083%); highest among the groups gnomAD compares: Admixed American, 0.0022%; no homozygotes.

Submission:

Labcorp Genetics (formerly Invitae), Labcorp
Classification: Uncertain significance for Amyotrophic lateral sclerosis type 15. Last evaluated: 2023-01-15. Review status: criteria provided, single submitter. Criteria: Invitae Variant Classification Sherloc (09022015). Collection method: clinical testing. Allele origin: germline.
Comment: This sequence change replaces isoleucine, which is neutral and non-polar, with methionine, which is neutral and non-polar, at codon 215 of the UBQLN2 protein (p.Ile215Met). In summary, the available evidence is currently insufficient to determine the role of this variant in disease. Therefore, it has been classified as a Variant of Uncertain Significance. Advanced modeling of protein sequence and biophysical properties (such as structural, functional, and spatial information, amino acid conservation, physicochemical variation, residue mobility, and thermodynamic stability) performed at Invitae indicates that this missense variant is not expected to disrupt UBQLN2 protein function. This variant has not been reported in the literature in individuals affected with UBQLN2-related conditions. This variant is not present in population databases (gnomAD no frequency).